The following is an entry in ClinVar:

NM_001384140.1(PCDH15):c.2102C>T (p.Ala701Val)

Gene: PCDH15 (protocadherin related 15; minus strand). Cytogenetic location: 10q21.1.
Variant type: single nucleotide variant.
Coding change: c.2102C>T on transcript NM_001384140.1 (MANE Select); coding-DNA position 2102, C replaced by T.
Protein change: p.Ala701Val; replaces alanine 701 with valine.
Molecular consequence: missense variant.
Genome position (GRCh38, 1-based): chr10:54,066,875, G>A on the plus strand (C>T on the coding strand, the complement: PCDH15 is on the minus strand). VCF-style: chr10-54066875-G-A. GRCh37 (hg19) VCF-style: chr10-55826635-G-A.
Other names: c.2117C>T, p.Ala706Val (NM_001142763.2, NM_001142771.2); c.2102C>T, p.Ala701Val (NM_001142764.2, NM_001142766.2, NM_001142770.3 and 5 more transcripts); c.1889C>T, p.Ala630Val (NM_001142765.2); c.1991C>T, p.Ala664Val (NM_001142767.2); c.2036C>T, p.Ala679Val (NM_001142768.2, NM_001142773.2, NM_001354404.2); c.2138C>T, p.Ala713Val (NM_001142769.4); c.2123C>T, p.Ala708Val (NM_001354411.2); short protein forms A701V, A630V, A706V, A708V, A664V, A713V, A679V.
Identifiers: ClinVar variation 164921 (VCV000164921.17), dbSNP rs199537178, ClinGen allele CA177596.

ClinVar aggregate classification (germline): Uncertain significance. Review status: criteria provided, multiple submitters, no conflicts (2 of 4 stars). 8 submissions from 8 submitters: Uncertain significance (6). 2 of the submissions do not count toward it. Last evaluated 2026-08-20.

Conditions:
PCDH15-related disorder. Also called: PCDH15-related condition; PCDH15-related disorders.
Autosomal recessive nonsyndromic hearing loss 23. Identifiers: Orphanet 90636, MedGen C1836027, MONDO:0012293, OMIM 609533.
Usher syndrome type 1D (USH1D). Also called: USHER SYNDROME, TYPE ID. Identifiers: Orphanet 231169, Orphanet 886, MedGen C1832845, MONDO:0010984, OMIM 601067.
Usher syndrome type 1F (USH1F). Also called: USHER SYNDROME, TYPE IF. Identifiers: Orphanet 231169, Orphanet 886, MedGen C1865885, MONDO:0011186, OMIM 602083.

Allele frequency attached by ClinVar (database versions not stated): ESP Exome Variant Server 0.00008; gnomAD 0.00011 and 0.00013; TOPMed 0.00012.
gnomAD v4.1: 402 of 1,613,056 alleles (0.025%); highest among the groups gnomAD compares: Non-Finnish European, 0.032%; no homozygotes.

Submissions (8):

PreventionGenetics, part of Exact Sciences
Classification: Uncertain significance for PCDH15-related condition. Last evaluated: 2026-08-20. Review status: criteria provided, single submitter. Criteria: ACMG Guidelines, 2015. Collection method: clinical testing. Allele origin: germline.
Comment: The PCDH15 c.2102C>T variant is predicted to result in the amino acid substitution p.Ala701Val. This variant was previously reported as an additional variant in a patient who presented with hearing loss; however, the patient harbored other potentially causative variants in other genes (Sheppard et al. 2018. PubMed ID: 29907799). This variant is reported in 0.029% of alleles in individuals of European (Non-Finnish) descent in gnomAD. At this time, the clinical significance of this variant is uncertain due to the absence of conclusive functional and genetic evidence.

Blueprint Genetics
Classification: Uncertain significance. Last evaluated: 2024-11-19. Review status: criteria provided, single submitter. Criteria: ACMG Guidelines, 2015. Collection method: clinical testing. Allele origin: germline.

GeneDx
Classification: Uncertain significance. Last evaluated: 2024-07-16. Review status: criteria provided, single submitter. Criteria: GeneDx Variant Classification Process June 2021. Collection method: clinical testing. Allele origin: germline. Affected: yes.
Comment: In silico analysis supports that this missense variant has a deleterious effect on protein structure/function; Reported without a second PCDH15 variant in a proband with bilateral sensorineural hearing loss who also had multiple variants in other hearing loss-associated genes (PMID: 29907799); This variant is associated with the following publications: (PMID: 15537665, 29907799)

Labcorp Genetics (formerly Invitae), Labcorp
Classification: Uncertain significance. Last evaluated: 2022-10-13. Review status: criteria provided, single submitter. Criteria: Invitae Variant Classification Sherloc (09022015). Collection method: clinical testing. Allele origin: germline.
Comment: This sequence change replaces alanine, which is neutral and non-polar, with valine, which is neutral and non-polar, at codon 701 of the PCDH15 protein (p.Ala701Val). This variant is present in population databases (rs199537178, gnomAD 0.03%). This variant has not been reported in the literature in individuals affected with PCDH15-related conditions. ClinVar contains an entry for this variant (Variation ID: 164921). Advanced modeling of protein sequence and biophysical properties (such as structural, functional, and spatial information, amino acid conservation, physicochemical variation, residue mobility, and thermodynamic stability) performed at Invitae indicates that this missense variant is not expected to disrupt PCDH15 protein function. In summary, the available evidence is currently insufficient to determine the role of this variant in disease. Therefore, it has been classified as a Variant of Uncertain Significance.

Fulgent Genetics
Classification: Uncertain significance for Usher syndrome type 1D; Usher syndrome type 1F; Autosomal recessive nonsyndromic hearing loss 23. Last evaluated: 2021-08-27. Review status: criteria provided, single submitter. Criteria: ACMG Guidelines, 2015. Collection method: clinical testing. Allele origin: unknown.

Laboratory for Molecular Medicine, Mass General Brigham Personalized Medicine
Classification: Uncertain significance. Last evaluated: 2015-08-07. Review status: criteria provided, single submitter. Criteria: LMM Criteria. Collection method: clinical testing. Allele origin: germline. Observed: 2 variant alleles.
Comment: This variant has been identified in 13/6654 8 European chromosomes by the Exome Aggregation consortium (ExAC; dbSNP rs199537178). Computational prediction tools and conserv ation analysis do not provide strong support for or against an impact to the pro tein. In summary, the clinical significance of the p.Ala701Val variant is uncert ain.

Natera, Inc.
Classification: Uncertain significance for Usher syndrome type 1F. Last evaluated: 2020-01-24. Review status: no assertion criteria provided. Collection method: clinical testing. Allele origin: germline. Not counted in ClinVar's aggregate classification.

Division of Human Genetics, Children's Hospital of Philadelphia
Classification: Uncertain significance for Usher syndrome type 1F; Usher syndrome type 1D; Autosomal recessive nonsyndromic hearing loss 23. Last evaluated: 2015-04-07. Review status: no assertion criteria provided. Collection method: research. Allele origin: paternal. Affected: yes. Study: CSER-PediSeq. Not counted in ClinVar's aggregate classification.